The following is an entry in ClinVar:

ClinVar aggregate classification (germline): Uncertain significance (1 of 4 stars; one submission).

Conditions:
Familial cancer of breast. Also called: Hereditary breast cancer; BREAST CANCER, FAMILIAL; hereditary breast carcinoma. Identifiers: Orphanet 227535, MedGen C0346153, MONDO:0016419, OMIM 114480. Disease mechanism: loss of function.

Submission:

Labcorp Genetics (formerly Invitae), Labcorp
Classification: Uncertain significance for Familial cancer of breast. Last evaluated: 2016-07-11. Review status: criteria provided, single submitter. Criteria: Invitae Variant Classification Sherloc (09022015). Collection method: clinical testing. Allele origin: germline.
Comment: A gross duplication of the genomic region encompassing the full coding sequence of the PALB2 gene has been identified. The boundaries of this event are unknown as the duplication extends beyond the assayed region for this gene and therefore may encompass additional genes. As the precise location of this duplication is unknown, it may be in tandem or it may be located elsewhere in the genome. Duplication of the entire PALB2 coding sequence has not been reported in the literature. The impact of this duplication on PALB2 protein function and related disease is unknown, therefore it has been classified as a Variant of Uncertain Significance.

NM_024675.3(PALB2):c.-200_*297dup4058

Gene: PALB2 (partner and localizer of BRCA2; minus strand). Cytogenetic location: 16p12.2.
Variant type: Duplication.
Coding change: c.-200_*297dup4058 on transcript NM_024675.3; 200 bases upstream of the start codon through 297 bases downstream of the stop codon, this stretch duplicated.
Other names: c.-200-?_*297+?dup (LRG_308t1).
Identifiers: ClinVar variation 241522 (VCV000241522.2).